The following is an entry in ClinVar:

ClinVar aggregate classification (germline): Uncertain significance (1 of 4 stars; one submission).

Submission:

GeneDx
Classification: Uncertain significance. Last evaluated: 2020-01-19. Review status: criteria provided, single submitter. Criteria: GeneDx Variant Classification Process June 2021. Collection method: clinical testing. Allele origin: germline. Affected: yes.
Comment: Not observed in large population cohorts (Lek et al., 2016); In silico analysis, which includes protein predictors and evolutionary conservation, supports a deleterious effect; Has not been previously published as pathogenic or benign to our knowledge

NM_001005273.3(CHD3):c.3437C>T (p.Ala1146Val)

Gene: CHD3 (chromodomain helicase DNA binding protein 3; plus strand). Cytogenetic location: 17p13.1.
Variant type: single nucleotide variant.
Coding change: c.3437C>T on transcript NM_001005273.3 (MANE Select); coding-DNA position 3437, C replaced by T.
Protein change: p.Ala1146Val; replaces alanine 1146 with valine.
Molecular consequence: missense variant.
Genome position (GRCh38, 1-based): chr17:7,903,003, C>T. VCF-style: chr17-7903003-C-T. GRCh37 (hg19) VCF-style: chr17-7806321-C-T.
Other names: c.3614C>T, p.Ala1205Val (NM_001005271.3); c.3437C>T, p.Ala1146Val (NM_005852.4); short protein forms A1146V, A1205V.
Identifiers: ClinVar variation 1311943 (VCV001311943.2), dbSNP rs2151600297, ClinGen allele CA397941876.